The following is an entry in ClinVar:

NM_000228.3(LAMB3):c.339A>T (p.Arg113Ser)

Gene: LAMB3 (laminin subunit beta 3; minus strand). Cytogenetic location: 1q32.2.
Variant type: single nucleotide variant.
Coding change: c.339A>T on transcript NM_000228.3 (MANE Select); coding-DNA position 339, A replaced by T.
Protein change: p.Arg113Ser; replaces arginine 113 with serine.
Molecular consequence: missense variant.
Genome position (GRCh38, 1-based): chr1:209,637,941, T>A on the plus strand (A>T on the coding strand, the complement: LAMB3 is on the minus strand). VCF-style: chr1-209637941-T-A. GRCh37 (hg19) VCF-style: chr1-209811286-T-A.
Other names: c.339A>T, p.Arg113Ser (NM_001017402.2, NM_001127641.1); short protein forms R113S.
Identifiers: ClinVar variation 4829165 (VCV004829165.2).

ClinVar aggregate classification (germline): Uncertain significance. Review status: criteria provided, multiple submitters, no conflicts (2 of 4 stars). 2 submissions from 2 submitters: Uncertain significance (2). Last evaluated 2026-03-11.

Conditions:
LAMB3-related disorder. Also called: LAMB3-related condition.
Inborn genetic diseases. Identifiers: MedGen C0950123, MeSH D030342.

gnomAD v4.1: 39 of 1,613,168 alleles (0.0024%); highest among the groups gnomAD compares: Non-Finnish European, 0.0032%; no homozygotes.

Submissions (2):

PreventionGenetics, part of Exact Sciences
Classification: Uncertain significance for LAMB3-related condition. Last evaluated: 2026-03-11. Review status: criteria provided, single submitter. Criteria: ACMG Guidelines, 2015. Collection method: clinical testing. Allele origin: germline.
Comment: The LAMB3 c.339A>T variant is predicted to result in the amino acid substitution p.Arg113Ser. To our knowledge, this variant has not been reported in the literature. This variant is reported in 0.0047% of alleles in individuals of European (Non-Finnish) descent in gnomAD. At this time, the clinical significance of this variant is uncertain due to the absence of conclusive functional and genetic evidence.

Ambry Genetics
Classification: Uncertain significance for Inborn genetic diseases. Last evaluated: 2025-12-15. Review status: criteria provided, single submitter. Criteria: Ambry Variant Classification Scheme 2023. Collection method: clinical testing. Allele origin: germline.